The following is an entry in ClinVar:

NM_024101.7(MLPH):c.1486G>T (p.Ala496Ser)

Gene: MLPH (melanophilin; plus strand). Cytogenetic location: 2q37.3.
Variant type: single nucleotide variant.
Coding change: c.1486G>T on transcript NM_024101.7 (MANE Select); coding-DNA position 1486, G replaced by T.
Protein change: p.Ala496Ser; replaces alanine 496 with serine.
Molecular consequence: missense variant. On other transcripts: non-coding transcript variant (1).
Genome position (GRCh38, 1-based): chr2:237,542,606, G>T. VCF-style: chr2-237542606-G-T. GRCh37 (hg19) VCF-style: chr2-238451249-G-T.
Other names: c.1402G>T, p.Ala468Ser (NM_001042467.3); c.1126G>T, p.Ala376Ser (NM_001281473.2); c.1057G>T, p.Ala353Ser (NM_001281474.2); short protein forms A468S, A353S, A376S, A496S.
Identifiers: ClinVar variation 2099603 (VCV002099603.4), dbSNP rs368855517, ClinGen allele CA351210375.
Genomic context (GRCh38, chr2:237,542,606, plus strand): 5'-CTGTCTGCTGTCCTCTCGCAGGTTTCAGACATTGAATCCAGGATTGCAGCCCTGAGGGCC[G>T]CAGGGCTCACGGTGAAGCCCTCGGGAAAGCCCCGGAGGAAGTCAAACCTCCCGGTGAGTG-3'
Protein context (NP_077006.1, residues 486-506): IESRIAALRA[Ala496Ser]GLTVKPSGKP

ClinVar aggregate classification (germline): Uncertain significance (1 of 4 stars; one submission).

gnomAD v4.1: 4 of 1,602,884 alleles (0.00025%); highest among the groups gnomAD compares: South Asian, 0.0022%; no homozygotes.

Submission:

Labcorp Genetics (formerly Invitae), Labcorp
Classification: Uncertain significance. Last evaluated: 2024-10-16. Review status: criteria provided, single submitter. Criteria: Invitae Variant Classification Sherloc (09022015). Collection method: clinical testing. Allele origin: germline.
Comment: This sequence change replaces alanine, which is neutral and non-polar, with serine, which is neutral and polar, at codon 496 of the MLPH protein (p.Ala496Ser). The frequency data for this variant in the population databases is considered unreliable, as metrics indicate poor data quality at this position in the gnomAD database. This variant has not been reported in the literature in individuals affected with MLPH-related conditions. ClinVar contains an entry for this variant (Variation ID: 2099603). An algorithm developed to predict the effect of missense changes on protein structure and function (PolyPhen-2) suggests that this variant is likely to be disruptive. In summary, the available evidence is currently insufficient to determine the role of this variant in disease. Therefore, it has been classified as a Variant of Uncertain Significance.